The following is an entry in ClinVar:

NM_003560.4(PLA2G6):c.1047C>A (p.His349Gln)

Gene: PLA2G6 (phospholipase A2 group VI; minus strand). Cytogenetic location: 22q13.1.
Variant type: single nucleotide variant.
Coding change: c.1047C>A on transcript NM_003560.4 (MANE Select); coding-DNA position 1047, C replaced by A.
Protein change: p.His349Gln; replaces histidine 349 with glutamine.
Molecular consequence: missense variant.
Genome position (GRCh38, 1-based): chr22:38,132,861, G>T on the plus strand (C>A on the coding strand, the complement: PLA2G6 is on the minus strand). VCF-style: chr22-38132861-G-T. GRCh37 (hg19) VCF-style: chr22-38528868-G-T.
Other names: c.1047C>A (NM_003560.2); c.1047C>A, p.His349Gln (NM_001004426.3, NM_001199562.3, NM_001349864.2 and 2 more transcripts); c.513C>A, p.His171Gln (NM_001349867.2, NM_001349869.2); c.369C>A, p.His123Gln (NM_001349868.2); short protein forms H171Q, H123Q, H349Q.
Identifiers: ClinVar variation 1524612 (VCV001524612.7), dbSNP rs1037506850, ClinGen allele CA411530669.

ClinVar aggregate classification (germline): Uncertain significance. Review status: criteria provided, multiple submitters, no conflicts (2 of 4 stars). 2 submissions from 2 submitters: Uncertain significance (2). Last evaluated 2023-01-06.

Conditions:
Inborn genetic diseases. Identifiers: MedGen C0950123, MeSH D030342.
Infantile neuroaxonal dystrophy (NBIA2A). Also called: NEURODEGENERATION WITH BRAIN IRON ACCUMULATION 2A; SEITELBERGER DISEASE; Infantile neuroaxonal dystrophy 1. Identifiers: Orphanet 35069, MedGen C0270724, MONDO:0024457, OMIM 256600.

Allele frequency attached by ClinVar (database versions not stated): gnomAD exomes 0.00001.
gnomAD v4.1: 2 of 1,551,388 alleles (0.00013%); highest among the groups gnomAD compares: Non-Finnish European, 0.00017%; no homozygotes.

Submissions (2):

Ambry Genetics
Classification: Uncertain significance for Inborn genetic diseases. Last evaluated: 2023-01-06. Review status: criteria provided, single submitter. Criteria: Ambry Variant Classification Scheme 2023. Collection method: clinical testing. Allele origin: germline.

Labcorp Genetics (formerly Invitae), Labcorp
Classification: Uncertain significance for Infantile neuroaxonal dystrophy. Last evaluated: 2021-08-05. Review status: criteria provided, single submitter. Criteria: Invitae Variant Classification Sherloc (09022015). Collection method: clinical testing. Allele origin: germline.
Comment: This sequence change replaces histidine with glutamine at codon 349 of the PLA2G6 protein (p.His349Gln). The histidine residue is moderately conserved and there is a small physicochemical difference between histidine and glutamine. This variant is not present in population databases (ExAC no frequency). This variant has not been reported in the literature in individuals affected with PLA2G6-related conditions. Advanced modeling of protein sequence and biophysical properties (such as structural, functional, and spatial information, amino acid conservation, physicochemical variation, residue mobility, and thermodynamic stability) performed at Invitae indicates that this missense variant is not expected to disrupt PLA2G6 protein function. In summary, the available evidence is currently insufficient to determine the role of this variant in disease. Therefore, it has been classified as a Variant of Uncertain Significance.